The following is an entry in ClinVar:

ClinVar aggregate classification (germline): Uncertain significance (1 of 4 stars; one submission).

Conditions:
RASopathy. Also called: rasopathies; Noonan spectrum disorder. Identifiers: Orphanet 536391, MedGen C5555857, MONDO:0021060.

Submission:

Labcorp Genetics (formerly Invitae), Labcorp
Classification: Uncertain significance for RASopathy. Last evaluated: 2021-03-31. Review status: criteria provided, single submitter. Criteria: Invitae Variant Classification Sherloc (09022015). Collection method: clinical testing. Allele origin: germline.
Comment: This sequence change creates a premature translational stop signal (p.Glu196Glyfs*16) in the CBL gene. It is expected to result in an absent or disrupted protein product. However, the current clinical and genetic evidence is not sufficient to establish whether loss-of-function variants in CBL cause disease. This variant is not present in population databases (ExAC no frequency). In summary, the available evidence is currently insufficient to determine the role of this variant in disease. Therefore, it has been classified as a Variant of Uncertain Significance. This variant has not been reported in the literature in individuals with CBL-related conditions.

NM_005188.4(CBL):c.586dup (p.Glu196fs)

Gene: CBL (Cbl proto-oncogene; plus strand). Cytogenetic location: 11q23.3.
Variant type: Duplication.
Coding change: c.586dup on transcript NM_005188.4 (MANE Select); coding-DNA position 586, one base duplicated (G; older notation c.586dupG).
Protein change: p.Glu196fs; shifts the reading frame from glutamic acid 196.
Molecular consequence: frameshift variant.
Genome position (GRCh38, 1-based): chr11:119,271,877, G duplicated; the last of 4 consecutive G bases (chr11:119,271,874-119,271,877); duplicating any one gives the same sequence. VCF-style (leftmost placement, unchanged base first): chr11-119271873-T-TG. GRCh37 (hg19) VCF-style: chr11-119142583-T-TG.
Other names: short protein forms E196fs.
Identifiers: ClinVar variation 1519201 (VCV001519201.6), dbSNP rs2135297170, ClinGen allele CA2573146890.
Genomic context (GRCh38, chr11:119,271,873, plus strand): 5'-TCAGGGAGACACATTTCGGATTACTAAAGCAGATGCTGCGGAATTTTGGAGAAAAGCTTT[T>TG]GGGGAAAAGTAAGTCTCAGAATAATGAATTTGAACTATGAAAAACTAAAGCTTACGAGTT-3'